The following is an entry in ClinVar:

NM_005198.5(CHKB):c.58A>C (p.Lys20Gln)

Genes: CHKB (choline kinase beta; minus strand), CHKB-CPT1B (CHKB-CPT1B readthrough (NMD candidate); minus strand). Cytogenetic location: 22q13.33.
Variant type: single nucleotide variant.
Coding change: c.58A>C on transcript NM_005198.5 (MANE Select); coding-DNA position 58, A replaced by C.
Protein change: p.Lys20Gln; replaces lysine 20 with glutamine.
Molecular consequence: missense variant. On other transcripts: non-coding transcript variant (1).
Genome position (GRCh38, 1-based): chr22:50,582,724, T>G on the plus strand (A>C on the coding strand, the complement: CHKB is on the minus strand). VCF-style: chr22-50582724-T-G. GRCh37 (hg19) VCF-style: chr22-51021153-T-G.
Other names: short protein forms K20Q.
Identifiers: ClinVar variation 1362534 (VCV001362534.8), dbSNP rs2146659155, ClinGen allele CA412203974.

ClinVar aggregate classification (germline): Uncertain significance (1 of 4 stars; one submission).

Conditions:
Megaconial type congenital muscular dystrophy (MDCMC). Also called: MUSCULAR DYSTROPHY, CONGENITAL, WITH MITOCHONDRIAL STRUCTURAL ABNORMALITIES; CHKB-Related Muscle Diseases; CHKB-Related Muscular Dystrophy. Identifiers: Orphanet 280671, MedGen C1865233, MONDO:0011246, OMIM 602541.

Submission:

Labcorp Genetics (formerly Invitae), Labcorp
Classification: Uncertain significance for Megaconial type congenital muscular dystrophy. Last evaluated: 2024-02-24. Review status: criteria provided, single submitter. Criteria: Invitae Variant Classification Sherloc (09022015). Collection method: clinical testing. Allele origin: germline.
Comment: This sequence change replaces lysine, which is basic and polar, with glutamine, which is neutral and polar, at codon 20 of the CHKB protein (p.Lys20Gln). This variant is not present in population databases (gnomAD no frequency). This variant has not been reported in the literature in individuals affected with CHKB-related conditions. ClinVar contains an entry for this variant (Variation ID: 1362534). Algorithms developed to predict the effect of missense changes on protein structure and function output the following: SIFT: "Not Available"; PolyPhen-2: "Benign"; Align-GVGD: "Not Available". The glutamine amino acid residue is found in multiple mammalian species, which suggests that this missense change does not adversely affect protein function. In summary, the available evidence is currently insufficient to determine the role of this variant in disease. Therefore, it has been classified as a Variant of Uncertain Significance.